The following is an entry in ClinVar:

NM_012472.6(DNAAF11):c.31C>T (p.Arg11Trp)

Gene: DNAAF11 (dynein axonemal assembly factor 11; minus strand). Cytogenetic location: 8q24.22.
Variant type: single nucleotide variant.
Coding change: c.31C>T on transcript NM_012472.6 (MANE Select); coding-DNA position 31, C replaced by T.
Protein change: p.Arg11Trp; replaces arginine 11 with tryptophan.
Molecular consequence: missense variant. On other transcripts: 5 prime UTR variant (4), non-coding transcript variant (7), intron variant (1).
Genome position (GRCh38, 1-based): chr8:132,661,607, G>A on the plus strand (C>T on the coding strand, the complement: DNAAF11 is on the minus strand). VCF-style: chr8-132661607-G-A. GRCh37 (hg19) VCF-style: chr8-133673853-G-A.
Other names: c.31C>T, p.Arg11Trp (NM_001321961.2); c.-330C>T (NM_001321963.2, NM_001321964.2, NM_001321966.2); c.-643C>T (NM_001321965.2); c.10+13877C>T (NM_001321962.2); c.31C>T (NM_012472.5); short protein forms R11W.
Identifiers: ClinVar variation 772282 (VCV000772282.21), dbSNP rs115536785, ClinGen allele CA4881488.

ClinVar aggregate classification (germline): Conflicting classifications of pathogenicity. Review status: criteria provided, conflicting classifications (1 of 4 stars). 6 submissions from 6 submitters: Uncertain significance (3); Benign (1); Likely benign (1). 1 of the submissions does not count toward it. Last evaluated 2026-01-22.

Conditions:
Primary ciliary dyskinesia. Also called: Ciliary dyskinesia. Identifiers: Orphanet 244, MedGen C0008780, MONDO:0016575, HP:0012265.
DNAAF11-related disorder. Also called: DNAAF11-related condition.
Primary ciliary dyskinesia 19. Also called: CILIARY DYSKINESIA, PRIMARY, 19, WITH OR WITHOUT SITUS INVERSUS. Identifiers: Orphanet 244, MedGen C3543826, MONDO:0013979, OMIM 614935.

Allele frequency attached by ClinVar (database versions not stated): gnomAD exomes 0.00033 and 0.00037; ExAC 0.00035; 1000 Genomes Project 30x 0.00078; gnomAD 0.00088 and 0.00093; TOPMed 0.00091; 1000 Genomes Project 0.00100; ESP Exome Variant Server 0.00115.
gnomAD v4.1: 675 of 1,613,926 alleles (0.042%); highest among the groups gnomAD compares: African/African-American, 0.27%; no homozygotes.

Submissions (6):

Labcorp Genetics (formerly Invitae), Labcorp
Classification: Likely benign for Primary ciliary dyskinesia 19. Last evaluated: 2026-01-22. Review status: criteria provided, single submitter. Criteria: Invitae Variant Classification Sherloc (09022015). Collection method: clinical testing. Allele origin: germline.

GeneDx
Classification: Uncertain significance. Last evaluated: 2025-06-27. Review status: criteria provided, single submitter. Criteria: GeneDx Variant Classification Process June 2021. Collection method: clinical testing. Allele origin: germline.
Comment: In silico analysis supports that this missense variant has a deleterious effect on protein structure/function; Has not been previously published as pathogenic or benign to our knowledge

Blueprint Genetics
Classification: Uncertain significance. Last evaluated: 2024-09-11. Review status: criteria provided, single submitter. Criteria: ACMG Guidelines, 2015. Collection method: clinical testing. Allele origin: germline.

Ambry Genetics
Classification: Benign for Primary ciliary dyskinesia. Last evaluated: 2018-06-22. Review status: criteria provided, single submitter. Criteria: Ambry Variant Classification Scheme 2023. Collection method: clinical testing. Allele origin: germline.

Illumina Laboratory Services, Illumina
Classification: Uncertain significance for Primary ciliary dyskinesia 19. Last evaluated: 2018-01-13. Review status: criteria provided, single submitter. Criteria: ICSL Variant Classification Criteria 13 December 2019. Collection method: clinical testing. Allele origin: germline.

PreventionGenetics, part of Exact Sciences
Classification: Likely benign for DNAAF11-related condition. Last evaluated: 2024-05-17. Review status: no assertion criteria provided. Collection method: clinical testing. Allele origin: germline. Not counted in ClinVar's aggregate classification.
Comment: This variant is classified as likely benign based on ACMG/AMP sequence variant interpretation guidelines (Richards et al. 2015 PMID: 25741868, with internal and published modifications).